The following is an entry in ClinVar:

NM_015450.3(POT1):c.92T>C (p.Phe31Ser)

Gene: POT1 (protection of telomeres 1; minus strand). Cytogenetic location: 7q31.33.
Variant type: single nucleotide variant.
Coding change: c.92T>C on transcript NM_015450.3 (MANE Select); coding-DNA position 92, T replaced by C.
Protein change: p.Phe31Ser; replaces phenylalanine 31 with serine.
Molecular consequence: missense variant. On other transcripts: 5 prime UTR variant (1), non-coding transcript variant (3).
Genome position (GRCh38, 1-based): chr7:124,892,298, A>G on the plus strand (T>C on the coding strand, the complement: POT1 is on the minus strand). VCF-style: chr7-124892298-A-G. GRCh37 (hg19) VCF-style: chr7-124532352-A-G.
Other names: c.-171T>C (NM_001042594.2); short protein forms F31S.
Identifiers: ClinVar variation 1476063 (VCV001476063.8), dbSNP rs1489113369, ClinGen allele CA369066078.
Genomic context (GRCh38, chr7:124,892,298, plus strand): 5'-AAAAAACTCCACCAGTTTTAATACCTACCAGTTCCTTTGCTTAGATATGGGGGCTTAAAG[A>G]ACTTCACAACACCATAGACATTGACAATTGTACCACCCTTAAGTTGATTCAGGGGTGTAT-3'
Protein context (NP_056265.2, residues 21-41): TIVNVYGVVK[Phe31Ser]FKPPYLSKGT

ClinVar aggregate classification (germline): Uncertain significance (1 of 4 stars; one submission).

Conditions:
Tumor predisposition syndrome 3 (TPDS3). Also called: Melanoma, cutaneous malignant, susceptibility to, 10; LONG TELOMERE SYNDROME, POT1-RELATED; POT1 Tumor Predisposition; Glioma susceptibility 9. Identifiers: Orphanet 618, MedGen C4014476, MONDO:0014368, OMIM 615848.

Submission:

Labcorp Genetics (formerly Invitae), Labcorp
Classification: Uncertain significance for Tumor predisposition syndrome 3. Last evaluated: 2021-02-19. Review status: criteria provided, single submitter. Criteria: Invitae Variant Classification Sherloc (09022015). Collection method: clinical testing. Allele origin: germline.
Comment: In summary, the available evidence is currently insufficient to determine the role of this variant in disease. Therefore, it has been classified as a Variant of Uncertain Significance. Algorithms developed to predict the effect of missense changes on protein structure and function are either unavailable or do not agree on the potential impact of this missense change (SIFT: "Deleterious"; PolyPhen-2: "Possibly Damaging"; Align-GVGD: "Class C0"). This variant has not been reported in the literature in individuals with POT1-related conditions. This variant is not present in population databases (ExAC no frequency). This sequence change replaces phenylalanine with serine at codon 31 of the POT1 protein (p.Phe31Ser). The phenylalanine residue is highly conserved and there is a large physicochemical difference between phenylalanine and serine.